The following is an entry in ClinVar:

ClinVar aggregate classification (germline): Uncertain significance (1 of 4 stars; one submission).

Allele frequency attached by ClinVar (database versions not stated): gnomAD 0.00001; gnomAD exomes 0.00001; TOPMed 0.00001.
gnomAD v4.1: 4 of 1,521,728 alleles (0.00026%); highest among the groups gnomAD compares: Admixed American, 0.0086%; no homozygotes.

Submission:

Labcorp Genetics (formerly Invitae), Labcorp
Classification: Uncertain significance. Last evaluated: 2022-03-01. Review status: criteria provided, single submitter. Criteria: Invitae Variant Classification Sherloc (09022015). Collection method: clinical testing. Allele origin: germline.
Comment: This sequence change replaces glycine, which is neutral and non-polar, with arginine, which is basic and polar, at codon 15 of the RIN2 protein (p.Gly15Arg). This variant is present in population databases (rs771058914, gnomAD 0.02%). This variant has not been reported in the literature in individuals affected with RIN2-related conditions. Algorithms developed to predict the effect of missense changes on protein structure and function are either unavailable or do not agree on the potential impact of this missense change (SIFT: "Tolerated"; PolyPhen-2: "Not Available"; Align-GVGD: "Class C0"). In summary, the available evidence is currently insufficient to determine the role of this variant in disease. Therefore, it has been classified as a Variant of Uncertain Significance.

NM_018993.4(RIN2):c.43G>A (p.Gly15Arg)

Gene: RIN2 (Ras and Rab interactor 2; plus strand). Cytogenetic location: 20p11.23.
Variant type: single nucleotide variant.
Coding change: c.43G>A on transcript NM_018993.4 (MANE Select); coding-DNA position 43, G replaced by A.
Protein change: p.Gly15Arg; replaces glycine 15 with arginine.
Molecular consequence: missense variant. On other transcripts: 5 prime UTR variant (1).
Genome position (GRCh38, 1-based): chr20:19,889,644, G>A. VCF-style: chr20-19889644-G-A. GRCh37 (hg19) VCF-style: chr20-19870288-G-A.
Other names: c.190G>A, p.Gly64Arg (NM_001242581.2); c.-503G>A (NM_001378238.1); short protein forms G15R, G64R.
Identifiers: ClinVar variation 1985897 (VCV001985897.1), dbSNP rs771058914, ClinGen allele CA9779687.